The following is an entry in ClinVar:

NM_017780.4(CHD7):c.5066T>C (p.Val1689Ala)

Gene: CHD7 (chromodomain helicase DNA binding protein 7; plus strand). Cytogenetic location: 8q12.2.
Variant type: single nucleotide variant.
Coding change: c.5066T>C on transcript NM_017780.4 (MANE Select); coding-DNA position 5066, T replaced by C.
Protein change: p.Val1689Ala; replaces valine 1689 with alanine.
Molecular consequence: missense variant. On other transcripts: intron variant (1).
Genome position (GRCh38, 1-based): chr8:60,845,265, T>C. VCF-style: chr8-60845265-T-C. GRCh37 (hg19) VCF-style: chr8-61757824-T-C.
Other names: c.1717-16964T>C (NM_001316690.1); short protein forms V1689A.
Identifiers: ClinVar variation 1052782 (VCV001052782.11), dbSNP rs2150793920, ClinGen allele CA371320267.
Genomic context (GRCh38, chr8:60,845,265, plus strand): 5'-TTGGAATGTAAAAGGCTTCTATTATTATTATGATGGTGATTCTAGGTTTGTCAGCTCCTG[T>C]GCCAAGGGGAAGGAAGGGAAAGAAGGTGAAAGCCCAGAGCACACAGCCGGTGGTGCAGGA-3'
Protein context (NP_060250.2, residues 1679-1699): LVNHSGLSAP[Val1689Ala]PRGRKGKKVK

ClinVar aggregate classification (germline): Uncertain significance. Review status: criteria provided, multiple submitters, no conflicts (2 of 4 stars). 2 submissions from 2 submitters: Uncertain significance (2). Last evaluated 2022-03-01.

Conditions:
CHARGE syndrome (CHARGE). Also called: Hittner Hirsch Kreh syndrome; CHARGE ASSOCIATION--COLOBOMA, HEART ANOMALY, CHOANAL ATRESIA, RETARDATION, GENITAL AND EAR ANOMALIES; Coloboma, heart anomaly, choanal atresia, retardation, genital and ear anomalies; CHARGE association; Hall-Hittner syndrome. Identifiers: Orphanet 138, MedGen C0265354, MONDO:0008965.

Submissions (2):

GeneDx
Classification: Uncertain significance. Last evaluated: 2022-03-01. Review status: criteria provided, single submitter. Criteria: GeneDx Variant Classification Process June 2021. Collection method: clinical testing. Allele origin: germline. Affected: yes.
Comment: Not observed in large population cohorts (gnomAD); In silico analysis supports that this missense variant has a deleterious effect on protein structure/function; Has not been previously published as pathogenic or benign in association with CHARGE syndrome to our knowledge; This variant is associated with the following publications: (PMID: 34151160)

Labcorp Genetics (formerly Invitae), Labcorp
Classification: Uncertain significance for CHARGE syndrome. Last evaluated: 2020-06-24. Review status: criteria provided, single submitter. Criteria: Invitae Variant Classification Sherloc (09022015). Collection method: clinical testing. Allele origin: germline.
Comment: In summary, the available evidence is currently insufficient to determine the role of this variant in disease. Therefore, it has been classified as a Variant of Uncertain Significance. Algorithms developed to predict the effect of missense changes on protein structure and function are either unavailable or do not agree on the potential impact of this missense change (SIFT: "Tolerated"; PolyPhen-2: "Benign"; Align-GVGD: "Class C15"). This variant has not been reported in the literature in individuals with CHD7-related conditions. This variant is not present in population databases (ExAC no frequency). This sequence change replaces valine with alanine at codon 1689 of the CHD7 protein (p.Val1689Ala). The valine residue is highly conserved and there is a small physicochemical difference between valine and alanine.